The following is an entry in ClinVar:

ClinVar aggregate classification (germline): Likely benign. Review status: criteria provided, single submitter (1 of 4 stars). 2 submissions from 2 submitters: Likely benign (1). 1 of the submissions does not count toward it. Last evaluated 2023-10-04.

Conditions:
SLC38A8-related disorder. Also called: SLC38A8-related condition.

Allele frequency attached by ClinVar (database versions not stated): gnomAD exomes 0.00001; ExAC 0.00002; ESP Exome Variant Server 0.00008.

Submissions (2):

Labcorp Genetics (formerly Invitae), Labcorp
Classification: Likely benign. Last evaluated: 2023-10-04. Review status: criteria provided, single submitter. Criteria: Invitae Variant Classification Sherloc (09022015). Collection method: clinical testing. Allele origin: germline.

PreventionGenetics, part of Exact Sciences
Classification: Likely benign for SLC38A8-related condition. Last evaluated: 2024-05-21. Review status: no assertion criteria provided. Collection method: clinical testing. Allele origin: germline. Not counted in ClinVar's aggregate classification.
Comment: This variant is classified as likely benign based on ACMG/AMP sequence variant interpretation guidelines (Richards et al. 2015 PMID: 25741868, with internal and published modifications).

NM_001080442.3(SLC38A8):c.864C>T (p.Tyr288=)

Gene: SLC38A8 (solute carrier family 38 member 8; minus strand). Cytogenetic location: 16q23.3.
Variant type: single nucleotide variant.
Coding change: c.864C>T on transcript NM_001080442.3 (MANE Select); coding-DNA position 864, C replaced by T.
Protein change: p.Tyr288=; no amino-acid change (tyrosine 288 retained).
Molecular consequence: synonymous variant.
Genome position (GRCh38, 1-based): chr16:84,017,229, G>A on the plus strand (C>T on the coding strand, the complement: SLC38A8 is on the minus strand). VCF-style: chr16-84017229-G-A. GRCh37 (hg19) VCF-style: chr16-84050834-G-A.
Other names: c.864C>T (NM_001080442.2).
Identifiers: ClinVar variation 3008057 (VCV003008057.4), dbSNP rs367666960, ClinGen allele CA8199947.
Genomic context (GRCh38, chr16:84,017,229, plus strand): 5'-AGTTACGATGGAGACAGCAAAAAGGACCCGGGCCACAATGATGACCATATCATTGCCTGG[G>A]TAGGACATCAAGACGTCAGCAGAAACTTCTGTCCCAAAAGTCAGGAAGCCATAAACCCCT-3'
Protein context (NP_001073911.1, residues 278-298): TEVSADVLMS[Tyr288=]PGNDMVIIVA